The following is an entry in ClinVar:

ClinVar aggregate classification (germline): Uncertain significance (1 of 4 stars; one submission).

Conditions:
Aniridia 1 (AN1). Identifiers: Orphanet 250923, MedGen C0344542, MONDO:0024507, OMIM 106210.
Irido-corneo-trabecular dysgenesis (ASGD5). Also called: ANTERIOR SEGMENT DYSGENESIS 5. Identifiers: Orphanet 708, MedGen C0344559, MONDO:0011414, OMIM 604229, HP:0000659.

Allele frequency attached by ClinVar (database versions not stated): gnomAD exomes below 0.00001.
gnomAD v4.1: 1 of 1,613,678 alleles (0.000062%); highest among the groups gnomAD compares: African/African-American, 0.0013%; no homozygotes.

Submission:

Labcorp Genetics (formerly Invitae), Labcorp
Classification: Uncertain significance for Aniridia 1; Irido-corneo-trabecular dysgenesis. Last evaluated: 2021-09-09. Review status: criteria provided, single submitter. Criteria: Invitae Variant Classification Sherloc (09022015). Collection method: clinical testing. Allele origin: germline.
Comment: This sequence change replaces glycine with valine at codon 7 of the PAX6 protein (p.Gly7Val). The glycine residue is highly conserved and there is a moderate physicochemical difference between glycine and valine. This variant is not present in population databases (ExAC no frequency). This variant has not been reported in the literature in individuals affected with PAX6-related conditions. Advanced modeling of protein sequence and biophysical properties (such as structural, functional, and spatial information, amino acid conservation, physicochemical variation, residue mobility, and thermodynamic stability) performed at Invitae indicates that this missense variant is expected to disrupt PAX6 protein function. In summary, the available evidence is currently insufficient to determine the role of this variant in disease. Therefore, it has been classified as a Variant of Uncertain Significance.

NM_001368894.2(PAX6):c.20G>T (p.Gly7Val)

Gene: PAX6 (paired box 6; minus strand). Cytogenetic location: 11p13.
Variant type: single nucleotide variant.
Coding change: c.20G>T on transcript NM_001368894.2 (MANE Select); coding-DNA position 20, G replaced by T.
Protein change: p.Gly7Val; replaces glycine 7 with valine.
Molecular consequence: missense variant. On other transcripts: 5 prime UTR variant (12), non-coding transcript variant (2), intron variant (2).
Genome position (GRCh38, 1-based): chr11:31,802,825, C>A on the plus strand (G>T on the coding strand, the complement: PAX6 is on the minus strand). VCF-style: chr11-31802825-C-A. GRCh37 (hg19) VCF-style: chr11-31824373-C-A.
Other names: c.20G>T, p.Gly7Val (NM_001368893.2, NM_001368912.2, NM_001368913.2 and 30 more transcripts); c.-389G>T (NM_001368899.2, NM_001368901.2, NM_001368906.2 and 1 more transcripts); c.-431G>T (NM_001368900.2, NM_001368903.2, NM_001368908.2 and 2 more transcripts); c.-720G>T (NM_001368902.2); c.-762G>T (NM_001368905.2, NM_001310160.2); c.263G>T, p.Gly88Val (NM_001368910.2); c.23G>T, p.Gly8Val (NM_001368911.2); c.-267-1049G>T (NM_001368909.2, NM_001368904.2); short protein forms G88V, G8V, G7V.
Identifiers: ClinVar variation 1405103 (VCV001405103.6), dbSNP rs1190491499, ClinGen allele CA379959714.